The following is an entry in ClinVar:

ClinVar aggregate classification (germline): Conflicting classifications of pathogenicity. Review status: criteria provided, conflicting classifications (1 of 4 stars). 6 submissions from 6 submitters: Likely pathogenic (1); Uncertain significance (5). Last evaluated 2026-03-05.

Conditions:
Developmental and epileptic encephalopathy, 25 (DEE25). Also called: Developmental and epileptic encephalopathy 25, with amelogenesis imperfecta; Epileptic encephalopathy, early infantile, 25, with amelogenesis imperfecta; Epileptic encephalopathy, early infantile, 25. Identifiers: Orphanet 442835, MedGen C4014621, MONDO:0014392, OMIM 615905.

Allele frequency attached by ClinVar (database versions not stated): ExAC 0.00001; gnomAD exomes 0.00001; TOPMed 0.00004.

Submissions (6):

Mendelics
Classification: Uncertain significance for Developmental and epileptic encephalopathy, 25. Last evaluated: 2026-03-05. Review status: criteria provided, single submitter. Criteria: ACMG Guidelines, 2015. Collection method: clinical testing. Allele origin: unknown.
Comment: The available evidence is insufficient to conclusively determine the role of this variant. Therefore, it is classified as a Variant of Uncertain Significance.

GeneDx
Classification: Likely pathogenic. Last evaluated: 2025-07-28. Review status: criteria provided, single submitter. Criteria: GeneDx Variant Classification Process June 2021. Collection method: clinical testing. Allele origin: germline. Affected: yes.
Comment: Published functional studies demonstrate incompetent citrate transport and unstable protein structure (PMID: 40577459); Not observed at significant frequency in large population cohorts (gnomAD); In silico analysis supports that this missense variant has a deleterious effect on protein structure/function; This variant is associated with the following publications: (PMID: 40577459, 33040525)

Broad Center for Mendelian Genomics, Broad Institute of MIT and Harvard
Classification: Uncertain significance for Developmental and epileptic encephalopathy, 25. Last evaluated: 2021-11-02. Review status: criteria provided, single submitter. Criteria: ACMG Guidelines, 2015. Collection method: curation. Allele origin: germline. Inheritance: Autosomal recessive inheritance.
Comment: The p.His106Arg variant in SLC13A5 has been reported in 2 compound heterozygous individuals with developmental and epileptic encephalopathy (TESS cohort). In addition this variant segregated with disease in 1 affected relative from 1 family (TESS cohort), and has been identified in 0.003% (3/113138) of European (Non-Finnish) chromosomes by the Genome Aggregation Database (gnomAD; dbSNP ID: rs762062274). Although this variant has been seen in the general population in a heterozygous state, its frequency is low enough to be consistent with a recessive carrier frequency. This variant has also been reported in ClinVar (Variation ID#: 967719) and has been interpreted as VUS by Invitae and CeGaT Praxis fuer Humangenetik Tuebingen. Computational prediction tools and conservation analyses do not provide strong support for or against an impact to the protein. In summary, the clinical significance of the p.His106Arg variant is uncertain. ACMG/AMP Criteria applied: PM2_supporting, PM3_supporting (Richards 2015).

Genome-Nilou Lab
Classification: Uncertain significance for Developmental and epileptic encephalopathy, 25. Last evaluated: 2021-07-15. Review status: criteria provided, single submitter. Criteria: ACMG Guidelines, 2015. Collection method: clinical testing. Allele origin: germline. Affected: no.

CeGaT Center for Human Genetics Tuebingen
Classification: Uncertain significance. Last evaluated: 2020-08-01. Review status: criteria provided, single submitter. Criteria: CeGaT Center For Human Genetics Tuebingen Variant Classification Criteria Version 2. Collection method: clinical testing. Allele origin: germline. Affected: yes. Observed: 1 variant allele.

Labcorp Genetics (formerly Invitae), Labcorp
Classification: Uncertain significance for Developmental and epileptic encephalopathy, 25. Last evaluated: 2020-04-08. Review status: criteria provided, single submitter. Criteria: Invitae Variant Classification Sherloc (09022015). Collection method: clinical testing. Allele origin: germline.
Comment: In summary, the available evidence is currently insufficient to determine the role of this variant in disease. Therefore, it has been classified as a Variant of Uncertain Significance. Algorithms developed to predict the effect of missense changes on protein structure and function are either unavailable or do not agree on the potential impact of this missense change (SIFT: "Deleterious"; PolyPhen-2: "Probably Damaging"; Align-GVGD: "Class C0"). This variant has not been reported in the literature in individuals with SLC13A5-related conditions. This variant is present in population databases (rs762062274, ExAC 0.002%). This sequence change replaces histidine with arginine at codon 106 of the SLC13A5 protein (p.His106Arg). The histidine residue is highly conserved and there is a small physicochemical difference between histidine and arginine.

NM_177550.5(SLC13A5):c.317A>G (p.His106Arg)

Gene: SLC13A5 (solute carrier family 13 member 5; minus strand). Cytogenetic location: 17p13.1.
Variant type: single nucleotide variant.
Coding change: c.317A>G on transcript NM_177550.5 (MANE Select); coding-DNA position 317, A replaced by G.
Protein change: p.His106Arg; replaces histidine 106 with arginine.
Molecular consequence: missense variant.
Genome position (GRCh38, 1-based): chr17:6,706,693, T>C on the plus strand (A>G on the coding strand, the complement: SLC13A5 is on the minus strand). VCF-style: chr17-6706693-T-C. GRCh37 (hg19) VCF-style: chr17-6610012-T-C.
Other names: NM_177550.5(SLC13A5):c.317A>G; p.His106Arg; c.317A>G, p.His106Arg (NM_001143838.3, NM_001284509.2); c.188A>G, p.His63Arg (NM_001284510.2); short protein forms H63R, H106R.
Identifiers: ClinVar variation 967719 (VCV000967719.49), dbSNP rs762062274, ClinGen allele CA8331779.
Genomic context (GRCh38, chr17:6,706,693, plus strand): 5'-CGTAATTACCGTGCAGGCTTGGCCCCCACCCAGAGGAGCGTGCGCAGGGCGATCCTCTTG[T>C]GCAGGTTCCAGCGCTCCACAGCCACGGCCACGATGAGGCCGCCCAGGAACAGCATGTTGG-3'
Protein context (NP_808218.1, residues 96-116): VAVAVERWNL[His106Arg]KRIALRTLLW